The following is an entry in ClinVar:

NM_001042750.2(STAG2):c.284T>C (p.Met95Thr)

Gene: STAG2 (STAG2 cohesin complex component; plus strand). Cytogenetic location: Xq25.
Variant type: single nucleotide variant.
Coding change: c.284T>C on transcript NM_001042750.2 (MANE Select); coding-DNA position 284, T replaced by C.
Protein change: p.Met95Thr; replaces methionine 95 with threonine.
Molecular consequence: missense variant.
Genome position (GRCh38, 1-based): chrX:124,031,121, T>C. VCF-style: chrX-124031121-T-C. GRCh37 (hg19) VCF-style: chrX-123164971-T-C.
Other names: c.284T>C, p.Met95Thr (NM_001042749.2, NM_001042751.2, NM_001282418.2 and 13 more transcripts); short protein forms M95T.
Identifiers: ClinVar variation 1316046 (VCV001316046.2), dbSNP rs2148062729, ClinGen allele CA414272721.

ClinVar aggregate classification (germline): Uncertain significance (1 of 4 stars; one submission).

Submission:

GeneDx
Classification: Uncertain significance. Last evaluated: 2020-01-14. Review status: criteria provided, single submitter. Criteria: GeneDx Variant Classification Process June 2021. Collection method: clinical testing. Allele origin: germline. Affected: yes.
Comment: Not observed in large population cohorts (Lek et al., 2016); In silico analysis, which includes protein predictors and evolutionary conservation, supports a deleterious effect; Has not been previously published as pathogenic or benign to our knowledge